The following is an entry in ClinVar:

ClinVar aggregate classification (germline): Pathogenic (1 of 4 stars; one submission).

Submission:

Labcorp Genetics (formerly Invitae), Labcorp
Classification: Pathogenic. Last evaluated: 2025-10-24. Review status: criteria provided, single submitter. Criteria: Invitae Variant Classification Sherloc (09022015). Collection method: clinical testing. Allele origin: germline.
Comment: This sequence change creates a premature translational stop signal (p.Ala2304Argfs*7) in the ITPR1 gene. It is expected to result in an absent or disrupted protein product. Loss-of-function variants in ITPR1 are known to be pathogenic (PMID: 27108797). This variant is not present in population databases (gnomAD no frequency). This variant has not been reported in the literature in individuals affected with ITPR1-related conditions. For these reasons, this variant has been classified as Pathogenic.

Literature cited by the submitters: PubMed 27108797.

NM_001378452.1(ITPR1):c.7097dup (p.Ala2367fs)

Gene: ITPR1 (inositol 1,4,5-trisphosphate receptor type 1; plus strand). Cytogenetic location: 3p26.1.
Variant type: Duplication.
Coding change: c.7097dup on transcript NM_001378452.1 (MANE Select); coding-DNA position 7097, one base duplicated (G; older notation c.7097dupG).
Protein change: p.Ala2367fs; shifts the reading frame from alanine 2367.
Molecular consequence: frameshift variant.
Genome position (GRCh38, 1-based): chr3:4,800,590, G duplicated; the last of 3 consecutive G bases (chr3:4,800,588-4,800,590); duplicating any one gives the same sequence. VCF-style (leftmost placement, unchanged base first): chr3-4800587-T-TG. GRCh37 (hg19) VCF-style: chr3-4842271-T-TG.
Other names: c.6953dup, p.Ala2319fs (NM_001099952.4); c.7052dup, p.Ala2352fs (NM_001168272.2); c.6908dup, p.Ala2304fs (NM_002222.7); short protein forms A2352fs, A2304fs, A2319fs, A2367fs.
Identifiers: ClinVar variation 4729804 (VCV004729804.1).